The following is an entry in ClinVar:

ClinVar aggregate classification (germline): Likely benign (1 of 4 stars; one submission).

Submission:

CeGaT Center for Human Genetics Tuebingen
Classification: Likely benign. Last evaluated: 2022-06-01. Review status: criteria provided, single submitter. Criteria: CeGaT Center For Human Genetics Tuebingen Variant Classification Criteria Version 2. Collection method: clinical testing. Allele origin: germline. Affected: yes. Observed: 1 variant allele.
Comment: ELK1: PM2:Supporting, BP4, BP7

NM_001114123.3(ELK1):c.1041T>C (p.Ala347=)

Gene: ELK1 (ETS transcription factor ELK1; minus strand). Cytogenetic location: Xp11.23.
Variant type: single nucleotide variant.
Coding change: c.1041T>C on transcript NM_001114123.3 (MANE Select); coding-DNA position 1041, T replaced by C.
Protein change: p.Ala347=; no amino-acid change (alanine 347 retained).
Molecular consequence: synonymous variant. On other transcripts: intron variant (1).
Genome position (GRCh38, 1-based): chrX:47,637,796, A>G on the plus strand (T>C on the coding strand, the complement: ELK1 is on the minus strand). VCF-style: chrX-47637796-A-G. GRCh37 (hg19) VCF-style: chrX-47497195-A-G.
Other names: c.1041T>C, p.Ala347= (NM_005229.4); c.271-744T>C (NM_001257168.1).
Identifiers: ClinVar variation 2660433 (VCV002660433.24), dbSNP rs2519723273, ClinGen allele CA516009347.